The following is an entry in ClinVar:

NM_012310.5(KIF4A):c.1939C>T (p.Arg647Trp)

Gene: KIF4A (kinesin family member 4A; plus strand). Cytogenetic location: Xq13.1.
Variant type: single nucleotide variant.
Coding change: c.1939C>T on transcript NM_012310.5 (MANE Select); coding-DNA position 1939, C replaced by T.
Protein change: p.Arg647Trp; replaces arginine 647 with tryptophan.
Molecular consequence: missense variant.
Genome position (GRCh38, 1-based): chrX:70,376,115, C>T. VCF-style: chrX-70376115-C-T. GRCh37 (hg19) VCF-style: chrX-69595965-C-T.
Other names: short protein forms R647W.
Identifiers: ClinVar variation 1703169 (VCV001703169.3), dbSNP rs764878951, ClinGen allele CA10441229.

ClinVar aggregate classification (germline): Uncertain significance (1 of 4 stars; one submission).

Conditions:
Intellectual developmental disorder, X-linked 100. Also called: Intellectual disability, X-linked 100. Identifiers: MedGen C3890167, MONDO:0010488, OMIM 300923.

Allele frequency attached by ClinVar (database versions not stated): ExAC 0.00001; gnomAD exomes 0.00001; gnomAD 0.00002; TOPMed 0.00002.
gnomAD v4.1: 9 of 1,198,565 alleles (0.00075%); highest among the groups gnomAD compares: East Asian, 0.003%; no homozygotes.

Submission:

Greenwood Genetic Center Diagnostic Laboratories, Greenwood Genetic Center
Classification: Uncertain significance for Intellectual developmental disorder, X-linked 100. Last evaluated: 2022-04-28. Review status: criteria provided, single submitter. Criteria: ACMG Guidelines, 2015. Collection method: clinical testing. Allele origin: germline. Affected: yes.
Comment: PM2